The following is an entry in ClinVar:

NM_001372.4(DNAH9):c.8583+9T>A

Gene: DNAH9 (dynein axonemal heavy chain 9; plus strand). Cytogenetic location: 17p12.
Variant type: single nucleotide variant.
Coding change: c.8583+9T>A on transcript NM_001372.4 (MANE Select); 9 bases into the intron after coding-DNA position 8583, T replaced by A.
Molecular consequence: intron variant.
Genome position (GRCh38, 1-based): chr17:11,807,903, T>A. VCF-style: chr17-11807903-T-A. GRCh37 (hg19) VCF-style: chr17-11711220-T-A.
Identifiers: ClinVar variation 3003245 (VCV003003245.3), dbSNP rs1969752572, ClinGen allele CA2247879544.

ClinVar aggregate classification (germline): Uncertain significance (1 of 4 stars; one submission).

Allele frequency attached by ClinVar (database versions not stated): gnomAD exomes below 0.00001; TOPMed below 0.00001.
gnomAD v4.1: 1 of 1,594,262 alleles (0.000063%); highest among the groups gnomAD compares: East Asian, 0.0023%; no homozygotes.

Submission:

Labcorp Genetics (formerly Invitae), Labcorp
Classification: Uncertain significance. Last evaluated: 2022-12-31. Review status: criteria provided, single submitter. Criteria: Invitae Variant Classification Sherloc (09022015). Collection method: clinical testing. Allele origin: germline.
Comment: This sequence change falls in intron 44 of the DNAH9 gene. It does not directly change the encoded amino acid sequence of the DNAH9 protein. This variant is not present in population databases (gnomAD no frequency). This variant has not been reported in the literature in individuals affected with DNAH9-related conditions. Algorithms developed to predict the effect of sequence changes on RNA splicing suggest that this variant may disrupt the consensus splice site. In summary, the available evidence is currently insufficient to determine the role of this variant in disease. Therefore, it has been classified as a Variant of Uncertain Significance.